The following is an entry in ClinVar:

ClinVar aggregate classification (germline): Uncertain significance. Review status: criteria provided, multiple submitters, no conflicts (2 of 4 stars). 3 submissions from 3 submitters: Uncertain significance (3). Last evaluated 2026-06-21.

Conditions:
Inborn genetic diseases. Identifiers: MedGen C0950123, MeSH D030342.
LZTFL1-related disorder. Also called: LZTFL1-related condition.

Allele frequency attached by ClinVar (database versions not stated): TOPMed below 0.00001; gnomAD 0.00001.
gnomAD v4.1: 6 of 1,613,848 alleles (0.00037%); highest among the groups gnomAD compares: Non-Finnish European, 0.00051%; no homozygotes.

Submissions (3):

PreventionGenetics, part of Exact Sciences
Classification: Uncertain significance for LZTFL1-related condition. Last evaluated: 2026-06-21. Review status: criteria provided, single submitter. Criteria: ACMG Guidelines, 2015. Collection method: clinical testing. Allele origin: germline.
Comment: The LZTFL1 c.169G>A variant is predicted to result in the amino acid substitution p.Val57Ile. To our knowledge, this variant has not been reported in the literature or in a large population database (gnomAD), indicating this variant is rare. At this time, the clinical significance of this variant is uncertain due to the absence of conclusive functional and genetic evidence.

Ambry Genetics
Classification: Uncertain significance for Inborn genetic diseases. Last evaluated: 2023-08-24. Review status: criteria provided, single submitter. Criteria: Ambry Variant Classification Scheme 2023. Collection method: clinical testing. Allele origin: germline.

Labcorp Genetics (formerly Invitae), Labcorp
Classification: Uncertain significance. Last evaluated: 2022-10-25. Review status: criteria provided, single submitter. Criteria: Invitae Variant Classification Sherloc (09022015). Collection method: clinical testing. Allele origin: germline.
Comment: This sequence change replaces valine, which is neutral and non-polar, with isoleucine, which is neutral and non-polar, at codon 57 of the LZTFL1 protein (p.Val57Ile). This variant is not present in population databases (gnomAD no frequency). This variant has not been reported in the literature in individuals affected with LZTFL1-related conditions. ClinVar contains an entry for this variant (Variation ID: 1042414). Advanced modeling of protein sequence and biophysical properties (such as structural, functional, and spatial information, amino acid conservation, physicochemical variation, residue mobility, and thermodynamic stability) performed at Invitae indicates that this missense variant is not expected to disrupt LZTFL1 protein function. In summary, the available evidence is currently insufficient to determine the role of this variant in disease. Therefore, it has been classified as a Variant of Uncertain Significance.

NM_020347.4(LZTFL1):c.169G>A (p.Val57Ile)

Gene: LZTFL1 (leucine zipper transcription factor like 1; minus strand). Cytogenetic location: 3p21.31.
Variant type: single nucleotide variant.
Coding change: c.169G>A on transcript NM_020347.4 (MANE Select); coding-DNA position 169, G replaced by A.
Protein change: p.Val57Ile; replaces valine 57 with isoleucine.
Molecular consequence: missense variant. On other transcripts: non-coding transcript variant (1).
Genome position (GRCh38, 1-based): chr3:45,835,744, C>T on the plus strand (G>A on the coding strand, the complement: LZTFL1 is on the minus strand). VCF-style: chr3-45835744-C-T. GRCh37 (hg19) VCF-style: chr3-45877236-C-T.
Other names: c.169G>A (NM_020347.2, NM_020347.3); c.118G>A, p.Val40Ile (NM_001276378.2, NM_001386451.1); c.157G>A, p.Val53Ile (NM_001276379.2); c.169G>A, p.Val57Ile (NM_001386452.1); short protein forms V57I, V40I, V53I.
Identifiers: ClinVar variation 1042414 (VCV001042414.5), dbSNP rs992722150, ClinGen allele CA73638886.